The following is an entry in ClinVar:

ClinVar aggregate classification (germline): Uncertain significance (1 of 4 stars; one submission).

Conditions:
Charcot-Marie-Tooth disease type 4. Also called: Charcot-Marie-Tooth disease, type IV; Charcot-Marie-Tooth, Type 4. Identifiers: Orphanet 64749, MedGen C4082197, MONDO:0018995.

Allele frequency attached by ClinVar (database versions not stated): 1000 Genomes Project 30x 0.00016.
gnomAD v4.1: 50 of 1,614,234 alleles (0.0031%); highest among the groups gnomAD compares: South Asian, 0.054%; 1 homozygote.

Submission:

Labcorp Genetics (formerly Invitae), Labcorp
Classification: Uncertain significance for Charcot-Marie-Tooth disease type 4. Last evaluated: 2021-10-12. Review status: criteria provided, single submitter. Criteria: Invitae Variant Classification Sherloc (09022015). Collection method: clinical testing. Allele origin: germline.
Comment: This sequence change replaces cysteine with phenylalanine at codon 88 of the FGD4 protein (p.Cys88Phe). The cysteine residue is highly conserved and there is a large physicochemical difference between cysteine and phenylalanine. This variant is present in population databases (rs201660852, ExAC 0.04%). This variant has not been reported in the literature in individuals affected with FGD4-related conditions. Algorithms developed to predict the effect of missense changes on protein structure and function (SIFT, PolyPhen-2, Align-GVGD) all suggest that this variant is likely to be tolerated. In summary, the available evidence is currently insufficient to determine the role of this variant in disease. Therefore, it has been classified as a Variant of Uncertain Significance.

NM_001370298.3(FGD4):c.674G>T (p.Cys225Phe)

Gene: FGD4 (FYVE, RhoGEF and PH domain containing 4; plus strand). Cytogenetic location: 12p11.21.
Variant type: single nucleotide variant.
Coding change: c.674G>T on transcript NM_001370298.3 (MANE Select); coding-DNA position 674, G replaced by T.
Protein change: p.Cys225Phe; replaces cysteine 225 with phenylalanine.
Molecular consequence: missense variant. On other transcripts: 5 prime UTR variant (5), non-coding transcript variant (1), intron variant (1).
Genome position (GRCh38, 1-based): chr12:32,582,130, G>T. VCF-style: chr12-32582130-G-T. GRCh37 (hg19) VCF-style: chr12-32735064-G-T.
Other names: c.518G>T, p.Cys173Phe (NM_001304481.2); c.-582G>T (NM_001304483.2); c.-889G>T (NM_001304484.2); c.-17G>T (NM_001330373.2, NM_001330374.2, NM_001384130.1); c.674G>T, p.Cys225Phe (NM_001384126.1); c.263G>T, p.Cys88Phe (NM_001384127.1, NM_001384128.1, NM_001384131.1 and 3 more transcripts); c.49-16367G>T (NM_001370297.1); short protein forms C173F, C88F, C225F.
Identifiers: ClinVar variation 1446300 (VCV001446300.6), dbSNP rs201660852, ClinGen allele CA6506607.
Genomic context (GRCh38, chr12:32,582,130, plus strand): 5'-CCCAGCACTTGCCACAGAGGCAGGGAAATGATACAGATAAGACTCAGGGTGCACAGACTT[G>T]TGTGGCCAACGGTGTAATGGCAGCACAAAACCAGATGGAATGTGAGGAGGAGAAAGCTGC-3'
Protein context (NP_001357227.2, residues 215-235): DTDKTQGAQT[Cys225Phe]VANGVMAAQN